The following is an entry in ClinVar:

ClinVar aggregate classification (germline): Conflicting classifications of pathogenicity. Review status: criteria provided, conflicting classifications (1 of 4 stars). 3 submissions from 3 submitters: Likely pathogenic (1); Uncertain significance (2). Last evaluated 2024-06-12.

Conditions:
ACTA2-related disorder. Also called: ACTA2-related disorders; ACTA2-related condition.
Familial thoracic aortic aneurysm and aortic dissection (TAAD). Also called: Thoracic aortic aneurysms and dissections. Identifiers: Orphanet 91387, MedGen C4707243, MONDO:0019625.

Submissions (3):

Blueprint Genetics
Classification: Likely pathogenic for ACTA2-related disorders. Last evaluated: 2024-06-12. Review status: criteria provided, single submitter. Criteria: ACMG Guidelines, 2015. Collection method: clinical testing. Allele origin: germline. Affected: yes. Observed: 1 variant allele.

Ambry Genetics
Classification: Uncertain significance for Familial thoracic aortic aneurysm and aortic dissection. Last evaluated: 2020-10-30. Review status: criteria provided, single submitter. Criteria: Ambry Variant Classification Scheme 2023. Collection method: clinical testing. Allele origin: germline.

GeneDx
Classification: Uncertain significance. Last evaluated: 2017-02-07. Review status: criteria provided, single submitter. Criteria: GeneDx Variant Classification (06012015). Collection method: clinical testing. Allele origin: germline. Affected: yes.
Comment: The E95K variant of uncertain significance in the ACTA2 gene has not been published as pathogenic or benign to our knowledge. This variant is not observed in large population cohorts (Lek et al., 2016; 1000 Genomes Consortium et al., 2015; Exome Variant Server). Furthermore, E95K is a non-conservative amino acid substitution, which is likely to impact secondary protein structure as these residues differ in polarity, charge, size and/or other properties. This substitution also occurs at a position that is conserved across species. In silico analysis predicts this variant is probably damaging to the protein structure/function.Therefore, additional evidence, such as observation in a significant number of affected individuals, segregation data, and functional evidence, is needed to determine whether this variant is pathogenic or benign.

NM_001613.4(ACTA2):c.283G>A (p.Glu95Lys)

Gene: ACTA2 (actin alpha 2, smooth muscle; minus strand). Cytogenetic location: 10q23.31.
Variant type: single nucleotide variant.
Coding change: c.283G>A on transcript NM_001613.4 (MANE Select); coding-DNA position 283, G replaced by A.
Protein change: p.Glu95Lys; replaces glutamic acid 95 with lysine.
Molecular consequence: missense variant.
Genome position (GRCh38, 1-based): chr10:88,943,883, C>T on the plus strand (G>A on the coding strand, the complement: ACTA2 is on the minus strand). VCF-style: chr10-88943883-C-T. GRCh37 (hg19) VCF-style: chr10-90703640-C-T.
Other names: c.283G>A, p.Glu95Lys (NM_001141945.3, NM_001320855.2, NM_001406462.1 and 3 more transcripts); c.154G>A, p.Glu52Lys (NM_001406467.1, NM_001406468.1, NM_001406469.1); short protein forms E95K, E52K.
Identifiers: ClinVar variation 423463 (VCV000423463.7), dbSNP rs1064796442, ClinGen allele CA16619077.